The following is an entry in ClinVar:

ClinVar aggregate classification (germline): Uncertain significance. Review status: criteria provided, multiple submitters, no conflicts (2 of 4 stars). 2 submissions from 2 submitters: Uncertain significance (2). Last evaluated 2025-05-30.

Conditions:
Hereditary pulmonary alveolar proteinosis. Also called: Pulmonary surfactant metabolism dysfunction. Identifiers: Orphanet 264675, MedGen C3711368, MONDO:0012580.

gnomAD v4.1: 51 of 1,613,160 alleles (0.0032%); highest among the groups gnomAD compares: African/African-American, 0.004%; no homozygotes.

Submissions (2):

Ambry Genetics
Classification: Uncertain significance for Hereditary pulmonary alveolar proteinosis. Last evaluated: 2025-05-30. Review status: criteria provided, single submitter. Criteria: Ambry Variant Classification Scheme 2023. Collection method: clinical testing. Allele origin: germline.
Comment: The p.R1474Q variant (also known as c.4421G>A), located in coding exon 26 of the ABCA3 gene, results from a G to A substitution at nucleotide position 4421. The arginine at codon 1474 is replaced by glutamine, an amino acid with highly similar properties. This amino acid position is conserved. In addition, this alteration is predicted to be deleterious by in silico analysis. Based on the available evidence, the clinical significance of this variant remains unclear.

GeneDx
Classification: Uncertain significance. Last evaluated: 2024-10-12. Review status: criteria provided, single submitter. Criteria: GeneDx Variant Classification Process June 2021. Collection method: clinical testing. Allele origin: germline. Affected: yes.
Comment: In silico analysis supports that this missense variant has a deleterious effect on protein structure/function; Has not been previously published as pathogenic or benign to our knowledge

NM_001089.3(ABCA3):c.4421G>A (p.Arg1474Gln)

Gene: ABCA3 (ATP binding cassette subfamily A member 3; minus strand). Cytogenetic location: 16p13.3.
Variant type: single nucleotide variant.
Coding change: c.4421G>A on transcript NM_001089.3 (MANE Select); coding-DNA position 4421, G replaced by A.
Protein change: p.Arg1474Gln; replaces arginine 1474 with glutamine.
Molecular consequence: missense variant.
Genome position (GRCh38, 1-based): chr16:2,279,069, C>T on the plus strand (G>A on the coding strand, the complement: ABCA3 is on the minus strand). VCF-style: chr16-2279069-C-T. GRCh37 (hg19) VCF-style: chr16-2329070-C-T.
Other names: short protein forms R1474Q.
Identifiers: ClinVar variation 3514295 (VCV003514295.3).